The following is an entry in ClinVar:

ClinVar aggregate classification (germline): Uncertain significance (1 of 4 stars; one submission).

Allele frequency attached by ClinVar (database versions not stated): gnomAD exomes below 0.00001.

Submission:

Labcorp Genetics (formerly Invitae), Labcorp
Classification: Uncertain significance. Last evaluated: 2021-09-25. Review status: criteria provided, single submitter. Criteria: Invitae Variant Classification Sherloc (09022015). Collection method: clinical testing. Allele origin: germline.
Comment: In summary, the available evidence is currently insufficient to determine the role of this variant in disease. Therefore, it has been classified as a Variant of Uncertain Significance. Algorithms developed to predict the effect of missense changes on protein structure and function output the following: SIFT: "Tolerated"; PolyPhen-2: "Possibly Damaging"; Align-GVGD: "Class C0". The proline amino acid residue is found in multiple mammalian species, which suggests that this missense change does not adversely affect protein function. This variant has not been reported in the literature in individuals affected with SFRP4-related conditions. This variant is not present in population databases (ExAC no frequency). This sequence change replaces leucine with proline at codon 17 of the SFRP4 protein (p.Leu17Pro). The leucine residue is moderately conserved and there is a moderate physicochemical difference between leucine and proline.

NM_003014.4(SFRP4):c.50T>C (p.Leu17Pro)

Gene: SFRP4 (secreted frizzled related protein 4; minus strand). Cytogenetic location: 7p14.1.
Variant type: single nucleotide variant.
Coding change: c.50T>C on transcript NM_003014.4 (MANE Select); coding-DNA position 50, T replaced by C.
Protein change: p.Leu17Pro; replaces leucine 17 with proline.
Molecular consequence: missense variant.
Genome position (GRCh38, 1-based): chr7:37,916,488, A>G on the plus strand (T>C on the coding strand, the complement: SFRP4 is on the minus strand). VCF-style: chr7-37916488-A-G. GRCh37 (hg19) VCF-style: chr7-37956090-A-G.
Other names: short protein forms L17P.
Identifiers: ClinVar variation 1364953 (VCV001364953.6), dbSNP rs2131991097, ClinGen allele CA367221241.